The following is an entry in ClinVar:

NM_015378.4(VPS13D):c.6595A>G (p.Ser2199Gly)

Gene: VPS13D (vacuolar protein sorting 13 homolog D; plus strand). Cytogenetic location: 1p36.22.
Variant type: single nucleotide variant.
Coding change: c.6595A>G on transcript NM_015378.4 (MANE Select); coding-DNA position 6595, A replaced by G.
Protein change: p.Ser2199Gly; replaces serine 2199 with glycine.
Molecular consequence: missense variant.
Genome position (GRCh38, 1-based): chr1:12,308,586, A>G. VCF-style: chr1-12308586-A-G. GRCh37 (hg19) VCF-style: chr1-12368643-A-G.
Other names: c.6595A>G, p.Ser2199Gly (NM_018156.4); short protein forms S2199G.
Identifiers: ClinVar variation 1200573 (VCV001200573.4), dbSNP rs545160328, ClinGen allele CA602632.

ClinVar aggregate classification (germline): Uncertain significance. Review status: criteria provided, multiple submitters, no conflicts (2 of 4 stars). 2 submissions from 2 submitters: Uncertain significance (2). Last evaluated 2020-03-19.

Conditions:
Autosomal recessive cerebellar ataxia-saccadic intrusion syndrome. Also called: VPS13D Movement Disorder; SPINOCEREBELLAR ATAXIA 24. Identifiers: Orphanet 95434, MedGen C1846492, MONDO:0011811, OMIM 607317.

Allele frequency attached by ClinVar (database versions not stated): TOPMed 0.00001; gnomAD 0.00003; gnomAD exomes 0.00009 and 0.00018; 1000 Genomes Project 30x 0.00016; 1000 Genomes Project 0.00020; ExAC 0.00020.
gnomAD v4.1: 137 of 1,613,820 alleles (0.0085%); highest among the groups gnomAD compares: South Asian, 0.14%; no homozygotes.

Submissions (2):

GeneDx
Classification: Uncertain significance. Last evaluated: 2020-03-19. Review status: criteria provided, single submitter. Criteria: GeneDx Variant Classification Process June 2021. Collection method: clinical testing. Allele origin: germline. Affected: yes.
Comment: In silico analysis, which includes protein predictors and evolutionary conservation, supports a deleterious effect; Has not been previously published as pathogenic or benign to our knowledge

Neuberg Centre For Genomic Medicine, NCGM
Classification: Uncertain significance for Autosomal recessive cerebellar ataxia-saccadic intrusion syndrome. Review status: criteria provided, single submitter. Criteria: ACMG Guidelines, 2015. Collection method: clinical testing. Allele origin: germline. Inheritance: Autosomal recessive inheritance. Affected: yes.
Comment: The missense variant c.6595A>Gp.Ser2199Gly in VPS13D gene has not been reported previously as a pathogenic variant nor as a benign variant, to our knowledge. The observed variant has been reported with allele frequency of 0.02% in gnomAD exomes database. This variant has been reported to the ClinVar database as Uncertain Significance. The amino acid change p.Ser2199Gly in VPS13D is predicted as conserved by GERP++ and PhyloP across 100 vertebrates. The amino acid Ser at position 2199 is changed to a Gly changing protein sequence and it might alter its composition and physico-chemical properties. For these reasons, this variant has been classified as Uncertain Significance VUS.